The following is an entry in ClinVar:

NM_000293.3(PHKB):c.3266C>G (p.Pro1089Arg)

Gene: PHKB (phosphorylase kinase regulatory subunit beta; plus strand). Cytogenetic location: 16q12.1.
Variant type: single nucleotide variant.
Coding change: c.3266C>G on transcript NM_000293.3 (MANE Select); coding-DNA position 3266, C replaced by G.
Protein change: p.Pro1089Arg; replaces proline 1089 with arginine.
Molecular consequence: missense variant.
Genome position (GRCh38, 1-based): chr16:47,699,350, C>G. VCF-style: chr16-47699350-C-G. GRCh37 (hg19) VCF-style: chr16-47733261-C-G.
Other names: c.3245C>G, p.Pro1082Arg (NM_001031835.3); c.3266C>G, p.Pro1089Arg (NM_001363837.1); short protein forms P1089R, P1082R.
Identifiers: ClinVar variation 319366 (VCV000319366.7), dbSNP rs763764574, ClinGen allele CA8041497.

ClinVar aggregate classification (germline): Uncertain significance. Review status: criteria provided, multiple submitters, no conflicts (2 of 4 stars). 3 submissions from 3 submitters: Uncertain significance (3). Last evaluated 2023-12-08.

Conditions:
Glycogen storage disease IXb (GSD9B). Also called: GLYCOGENOSIS OF LIVER AND MUSCLE, AUTOSOMAL RECESSIVE; GSD IXb; PHOSPHORYLASE KINASE DEFICIENCY OF LIVER AND MUSCLE, AUTOSOMAL RECESSIVE. Identifiers: Orphanet 79240, MedGen C0543514, MONDO:0009868, OMIM 261750.

Allele frequency attached by ClinVar (database versions not stated): TOPMed below 0.00001.
gnomAD v4.1: 33 of 1,614,016 alleles (0.002%); highest among the groups gnomAD compares: Middle Eastern, 0.033%; no homozygotes.

Submissions (3):

Women's Health and Genetics/Laboratory Corporation of America, LabCorp
Classification: Uncertain significance. Last evaluated: 2023-12-08. Review status: criteria provided, single submitter. Criteria: LabCorp Variant Classification Summary - May 2015. Collection method: clinical testing. Allele origin: germline.
Comment: Variant summary: PHKB c.3266C>G (p.Pro1089Arg) results in a non-conservative amino acid change located in the C-terminal domain (IPR045583) of the encoded protein sequence. Four of five in-silico tools predict a damaging effect of the variant on protein function. The variant allele was found at a frequency of 1.9e-05 in 1607020 control chromosomes (gnomAD). This frequency is not higher than the estimated maximum expected for a pathogenic variant in PHKB causing Glycogen Phosphorylase Kinase Deficiency (0.0011), allowing no conclusion about variant significance. c.3266C>G has been reported in the literature in a homozygous individual affected with symptoms of Glycogen Phosphorylase Kinase Deficiency (Al-Dewik_2019). These data indicate that the variant may be associated with disease. To our knowledge, no experimental evidence demonstrating an impact on protein function has been reported. The following publication have been ascertained in the context of this evaluation (PMID: 30919572). Two submitters have cited clinical-significance assessments for this variant to ClinVar after 2014. All submitters classified the variant as uncertain significance. Based on the evidence outlined above, the variant was classified as VUS-possibly pathogenic.

Labcorp Genetics (formerly Invitae), Labcorp
Classification: Uncertain significance for Glycogen storage disease IXb. Last evaluated: 2022-04-23. Review status: criteria provided, single submitter. Criteria: Invitae Variant Classification Sherloc (09022015). Collection method: clinical testing. Allele origin: germline.
Comment: This sequence change replaces proline, which is neutral and non-polar, with arginine, which is basic and polar, at codon 1089 of the PHKB protein (p.Pro1089Arg). This variant is present in population databases (rs763764574, gnomAD 0.01%). This missense change has been observed in individual(s) with clinical features of glycogen storage disease (PMID: 30919572). ClinVar contains an entry for this variant (Variation ID: 319366). Algorithms developed to predict the effect of missense changes on protein structure and function are either unavailable or do not agree on the potential impact of this missense change (SIFT: "Tolerated"; PolyPhen-2: "Possibly Damaging"; Align-GVGD: "Class C0"). In summary, the available evidence is currently insufficient to determine the role of this variant in disease. Therefore, it has been classified as a Variant of Uncertain Significance.

Illumina Laboratory Services, Illumina
Classification: Uncertain significance for Glycogen storage disease IXb. Last evaluated: 2018-01-13. Review status: criteria provided, single submitter. Criteria: ICSL Variant Classification Criteria 13 December 2019. Collection method: clinical testing. Allele origin: germline.

Literature cited by the submitters: PubMed 30919572 (cited by Women's Health and Genetics/Laboratory Corporation of America, LabCorp and Labcorp Genetics (formerly Invitae), Labcorp).